The following is an entry in ClinVar:

NM_014334.4(FRRS1L):c.622C>A (p.Arg208Ser)

Gene: FRRS1L (ferric chelate reductase 1 like; minus strand). Cytogenetic location: 9q31.3.
Variant type: single nucleotide variant.
Coding change: c.622C>A on transcript NM_014334.4 (MANE Select); coding-DNA position 622, C replaced by A.
Protein change: p.Arg208Ser; replaces arginine 208 with serine.
Molecular consequence: missense variant.
Genome position (GRCh38, 1-based): chr9:109,141,430, G>T on the plus strand (C>A on the coding strand, the complement: FRRS1L is on the minus strand). VCF-style: chr9-109141430-G-T. GRCh37 (hg19) VCF-style: chr9-111903710-G-T.
Other names: short protein forms R208S.
Identifiers: ClinVar variation 1676128 (VCV001676128.33), dbSNP rs955397173, ClinGen allele CA374424033.

ClinVar aggregate classification (germline): Uncertain significance (1 of 4 stars; one submission).

Submission:

CeGaT Center for Human Genetics Tuebingen
Classification: Uncertain significance. Last evaluated: 2022-03-01. Review status: criteria provided, single submitter. Criteria: CeGaT Center For Human Genetics Tuebingen Variant Classification Criteria Version 2. Collection method: clinical testing. Allele origin: germline. Affected: yes. Observed: 1 variant allele.
Comment: FRRS1L: PM2, PM3:Supporting, PP3